The following is an entry in ClinVar:

NM_000059.4(BRCA2):c.4946A>G (p.Lys1649Arg)

Gene: BRCA2 (BRCA2 DNA repair associated; plus strand). Cytogenetic location: 13q13.1.
Variant type: single nucleotide variant.
Coding change: c.4946A>G on transcript NM_000059.4 (MANE Select); coding-DNA position 4946, A replaced by G.
Protein change: p.Lys1649Arg; replaces lysine 1649 with arginine.
Molecular consequence: missense variant.
Genome position (GRCh38, 1-based): chr13:32,339,301, A>G. VCF-style: chr13-32339301-A-G. GRCh37 (hg19) VCF-style: chr13-32913438-A-G.
Other names: short protein forms K1649R.
Identifiers: ClinVar variation 1450583 (VCV001450583.7), dbSNP rs2137511956, ClinGen allele CA387783734.

ClinVar aggregate classification (germline): Conflicting classifications of pathogenicity. Review status: criteria provided, conflicting classifications (1 of 4 stars). 2 submissions from 2 submitters: Uncertain significance (1); Likely benign (1). Last evaluated 2023-09-25.

Conditions:
Hereditary cancer-predisposing syndrome. Also called: Hereditary Cancer Syndrome; Hereditary neoplastic syndrome; Neoplastic Syndromes, Hereditary; Tumor predisposition. Identifiers: Orphanet 140162, MedGen C0027672, MeSH D009386, MONDO:0015356.
Hereditary breast ovarian cancer syndrome. Also called: BRCA1- and BRCA2-Associated Hereditary Breast and Ovarian Cancer; Hereditary breast and ovarian cancer; Hereditary breast and ovarian cancer syndrome (HBOC); Hereditary breast and/or ovarian cancer syndrome; Hereditary breast and ovarian cancer syndrome; Breast and ovarian cancer. Identifiers: Orphanet 145, MedGen C0677776, MeSH D061325, MONDO:0003582. Disease mechanism: loss of function.

Allele frequency attached by ClinVar (database versions not stated): gnomAD exomes below 0.00001.
gnomAD v4.1: 1 of 1,604,370 alleles (0.000062%); highest among the groups gnomAD compares: Admixed American, 0.0017%; no homozygotes.

Submissions (2):

Labcorp Genetics (formerly Invitae), Labcorp
Classification: Uncertain significance for Hereditary breast ovarian cancer syndrome. Last evaluated: 2023-09-25. Review status: criteria provided, single submitter. Criteria: Invitae Variant Classification Sherloc (09022015). Collection method: clinical testing. Allele origin: germline.
Comment: In summary, the available evidence is currently insufficient to determine the role of this variant in disease. Therefore, it has been classified as a Variant of Uncertain Significance. Advanced modeling of protein sequence and biophysical properties (such as structural, functional, and spatial information, amino acid conservation, physicochemical variation, residue mobility, and thermodynamic stability) performed at Invitae indicates that this missense variant is not expected to disrupt BRCA2 protein function. ClinVar contains an entry for this variant (Variation ID: 1450583). This variant has not been reported in the literature in individuals affected with BRCA2-related conditions. This variant is not present in population databases (gnomAD no frequency). This sequence change replaces lysine, which is basic and polar, with arginine, which is basic and polar, at codon 1649 of the BRCA2 protein (p.Lys1649Arg).

University of Washington Department of Laboratory Medicine, University of Washington
Classification: Likely benign for Hereditary cancer-predisposing syndrome. Last evaluated: 2023-03-23. Review status: criteria provided, single submitter. Criteria: Dines et al. (Genet Med. 2020). Collection method: curation. Allele origin: germline.
Comment: Missense variant in a coldspot region where missense variants are very unlikely to be pathogenic (PMID:31911673).

BRCA2 exon 11 coldspot. Reclassification based on statistical prior probability.